The following is an entry in ClinVar:

ClinVar aggregate classification (germline): Uncertain significance (1 of 4 stars; one submission).

Conditions:
Malignant hyperthermia, susceptibility to, 5 (MHS5). Also called: CACNA1S-Related Malignant Hyperthermia Susceptibility. Identifiers: Orphanet 423, MedGen C1866077, MONDO:0011163, OMIM 601887.

Submission:

Color Diagnostics, LLC DBA Color Health
Classification: Uncertain significance for Malignant hyperthermia, susceptibility to, 5. Last evaluated: 2025-06-23. Review status: criteria provided, single submitter. Criteria: ACMG Guidelines, 2015. Collection method: clinical testing. Allele origin: germline.
Comment: This missense variant replaces valine with leucine at codon 974 of the CACNA1S protein. Computational prediction suggests that this variant may not impact protein structure and function. To our knowledge, functional studies have not been reported for this variant. This variant has not been reported in individuals affected with CACNA1S-related disorders in the literature. This variant has not been identified in the general population by the Genome Aggregation Database (gnomAD). The available evidence is insufficient to determine the role of this variant in disease conclusively. Therefore, this variant is classified as a Variant of Uncertain Significance.

NM_000069.3(CACNA1S):c.2920G>C (p.Val974Leu)

Gene: CACNA1S (calcium voltage-gated channel subunit alpha1 S; minus strand). Cytogenetic location: 1q32.1.
Variant type: single nucleotide variant.
Coding change: c.2920G>C on transcript NM_000069.3 (MANE Select); coding-DNA position 2920, G replaced by C.
Protein change: p.Val974Leu; replaces valine 974 with leucine.
Molecular consequence: missense variant.
Genome position (GRCh38, 1-based): chr1:201,062,077, C>G on the plus strand (G>C on the coding strand, the complement: CACNA1S is on the minus strand). VCF-style: chr1-201062077-C-G. GRCh37 (hg19) VCF-style: chr1-201031205-C-G.
Other names: short protein forms V974L.
Identifiers: ClinVar variation 4757149 (VCV004757149.1).
Genomic context (GRCh38, chr1:201,062,077, plus strand): 5'-CGCTGTGTACCCACTCGCGGTGACGCAGCTCTATCTGCATGGGGTCCCCGTCCTTGTACA[C>G]GTAGTAGTAGCCCCTGTGGCAGGGAGGCCCAGTCACTCCACAGGGCATGGCTGGGCTGCC-3'
Protein context (NP_000060.2, residues 964-984): TEEECRGYYY[Val974Leu]YKDGDPMQIE